The following is an entry in ClinVar:

NM_001563.4(IMPG1):c.754G>T (p.Ala252Ser)

Gene: IMPG1 (interphotoreceptor matrix proteoglycan 1; minus strand). Cytogenetic location: 6q14.1.
Variant type: single nucleotide variant.
Coding change: c.754G>T on transcript NM_001563.4 (MANE Select); coding-DNA position 754, G replaced by T.
Protein change: p.Ala252Ser; replaces alanine 252 with serine.
Molecular consequence: missense variant.
Genome position (GRCh38, 1-based): chr6:76,018,771, C>A on the plus strand (G>T on the coding strand, the complement: IMPG1 is on the minus strand). VCF-style: chr6-76018771-C-A. GRCh37 (hg19) VCF-style: chr6-76728488-C-A.
Other names: c.520G>T, p.Ala174Ser (NM_001282368.2); short protein forms A252S, A174S.
Identifiers: ClinVar variation 3650968 (VCV003650968.2).

ClinVar aggregate classification (germline): Uncertain significance (1 of 4 stars; one submission).

Submission:

Labcorp Genetics (formerly Invitae), Labcorp
Classification: Uncertain significance. Last evaluated: 2025-06-12. Review status: criteria provided, single submitter. Criteria: Invitae Variant Classification Sherloc (09022015). Collection method: clinical testing. Allele origin: germline.
Comment: This sequence change replaces alanine, which is neutral and non-polar, with serine, which is neutral and polar, at codon 252 of the IMPG1 protein (p.Ala252Ser). This variant is not present in population databases (gnomAD no frequency). This variant has not been reported in the literature in individuals affected with IMPG1-related conditions. ClinVar contains an entry for this variant (Variation ID: 3650968). An algorithm developed to predict the effect of missense changes on protein structure and function outputs the following: PolyPhen-2: "Benign". The serine amino acid residue is found in multiple mammalian species, which suggests that this missense change does not adversely affect protein function. In summary, the available evidence is currently insufficient to determine the role of this variant in disease. Therefore, it has been classified as a Variant of Uncertain Significance.